The following is an entry in ClinVar:

ClinVar aggregate classification (germline): Conflicting classifications of pathogenicity. Review status: criteria provided, conflicting classifications (1 of 4 stars). 4 submissions from 4 submitters: Uncertain significance (2); Likely benign (2). Last evaluated 2025-06-03.

Conditions:
Familial hemiplegic migraine. Identifiers: MedGen C0338484, MONDO:0000700.

Allele frequency attached by ClinVar (database versions not stated): ExAC 0.00003; gnomAD 0.00003 and 0.00004; gnomAD exomes 0.00003; TOPMed 0.00003; ESP Exome Variant Server 0.00008.
gnomAD v4.1: 57 of 1,613,892 alleles (0.0035%); highest among the groups gnomAD compares: Non-Finnish European, 0.0046%; no homozygotes.

Submissions (4):

Women's Health and Genetics/Laboratory Corporation of America, LabCorp
Classification: Uncertain significance. Last evaluated: 2025-06-03. Review status: criteria provided, single submitter. Criteria: LabCorp Variant Classification Summary - May 2015. Collection method: clinical testing. Allele origin: germline.
Comment: Variant summary: ATP1A2 c.2562C>T (p.Ile854Ile) alters a conserved nucleotide located close to a canonical splice site and therefore could affect mRNA splicing, leading to a significantly altered protein sequence. Several computational tools predict a significant impact on normal splicing: Two predict the variant weakens a 5' donor site. However, these predictions have yet to be confirmed by functional studies. The variant allele was found at a frequency of 2.8e-05 in 251064 control chromosomes. The available data on variant occurrences in the general population are insufficient to allow any conclusion about variant significance. To our knowledge, no occurrence of c.2562C>T in individuals affected with Alternating Hemiplegia Of Childhood 1 and no experimental evidence demonstrating its impact on protein function have been reported. ClinVar contains an entry for this variant (Variation ID: 204874). Based on the evidence outlined above, the variant was classified as uncertain significance.

Labcorp Genetics (formerly Invitae), Labcorp
Classification: Uncertain significance for Familial hemiplegic migraine. Last evaluated: 2023-10-08. Review status: criteria provided, single submitter. Criteria: Invitae Variant Classification Sherloc (09022015). Collection method: clinical testing. Allele origin: germline.
Comment: This sequence change affects codon 854 of the ATP1A2 mRNA. It is a 'silent' change, meaning that it does not change the encoded amino acid sequence of the ATP1A2 protein. It affects a nucleotide within the consensus splice site. This variant is present in population databases (rs371086182, gnomAD 0.005%). This variant has not been reported in the literature in individuals affected with ATP1A2-related conditions. ClinVar contains an entry for this variant (Variation ID: 204874). Algorithms developed to predict the effect of sequence changes on RNA splicing suggest that this variant is not likely to affect RNA splicing. In summary, the available evidence is currently insufficient to determine the role of this variant in disease. Therefore, it has been classified as a Variant of Uncertain Significance.

Blueprint Genetics
Classification: Likely benign. Last evaluated: 2022-11-14. Review status: criteria provided, single submitter. Criteria: ACMG Guidelines, 2015. Collection method: clinical testing. Allele origin: germline.

GeneDx
Classification: Likely benign. Last evaluated: 2013-03-01. Review status: criteria provided, single submitter. Criteria: GeneDx Variant Classification (06012015). Collection method: clinical testing. Allele origin: germline. Affected: yes.
Comment: This variant is considered likely benign or benign based on one or more of the following criteria: it is a conservative change, it occurs at a poorly conserved position in the protein, it is predicted to be benign by multiple in silico algorithms, and/or has population frequency not consistent with disease.

NM_000702.4(ATP1A2):c.2562C>T (p.Ile854=)

Gene: ATP1A2 (ATPase Na+/K+ transporting subunit alpha 2; plus strand). Cytogenetic location: 1q23.2.
Variant type: single nucleotide variant.
Coding change: c.2562C>T on transcript NM_000702.4 (MANE Select); coding-DNA position 2562, C replaced by T.
Protein change: p.Ile854=; no amino-acid change (isoleucine 854 retained).
Molecular consequence: synonymous variant.
Genome position (GRCh38, 1-based): chr1:160,136,369, C>T. VCF-style: chr1-160136369-C-T. GRCh37 (hg19) VCF-style: chr1-160106159-C-T.
Other names: p.I854I:ATC>ATT.
Identifiers: ClinVar variation 204874 (VCV000204874.7), dbSNP rs371086182, ClinGen allele CA313251.
Genomic context (GRCh38, chr1:160,136,369, plus strand): 5'-AAACTCCCAGACGGACAAGCTGGTGAATGAGAGGCTCATCAGCATGGCCTACGGACAGAT[C>T]GGTGCGCCAAGCCCCGGGCCTCGGGAGGGAACCCCAACAGGGTTCTTTTCCCAGCTTTCA-3'
Protein context (NP_000693.1, residues 844-864): ERLISMAYGQ[Ile854=]GMIQALGGFF